The following is an entry in ClinVar:

ClinVar aggregate classification (germline): Uncertain significance (1 of 4 stars; one submission).

Conditions:
Deficiency of butyryl-CoA dehydrogenase (ACADSD). Also called: SCAD DEFICIENCY, MILD; Short-Chain Acyl-CoA Dehydrogenase Deficiency; ACADS DEFICIENCY; ACYL-CoA DEHYDROGENASE, SHORT-CHAIN, DEFICIENCY OF; SCADH DEFICIENCY; SCAD Deficiency. Identifiers: Orphanet 26792, MedGen C0342783, MONDO:0008722, OMIM 201470. Disease mechanism: May be benign.

Allele frequency attached by ClinVar (database versions not stated): gnomAD 0.00001; TOPMed 0.00001; ExAC 0.00004.
gnomAD v4.1: 57 of 1,610,802 alleles (0.0035%); highest among the groups gnomAD compares: Non-Finnish European, 0.0047%; no homozygotes.

Submission:

Labcorp Genetics (formerly Invitae), Labcorp
Classification: Uncertain significance for Deficiency of butyryl-CoA dehydrogenase. Last evaluated: 2025-12-03. Review status: criteria provided, single submitter. Criteria: Invitae Variant Classification Sherloc (09022015). Collection method: clinical testing. Allele origin: germline.
Comment: This sequence change replaces methionine, which is neutral and non-polar, with leucine, which is neutral and non-polar, at codon 82 of the ACADS protein (p.Met82Leu). This variant is present in population databases (rs746708682, gnomAD 0.003%). This variant has not been reported in the literature in individuals affected with ACADS-related conditions. ClinVar contains an entry for this variant (Variation ID: 2157588). Invitae Evidence Modeling of protein sequence and biophysical properties (such as structural, functional, and spatial information, amino acid conservation, physicochemical variation, residue mobility, and thermodynamic stability) indicates that this missense variant is expected to disrupt ACADS protein function with a positive predictive value of 80%. In summary, the available evidence is currently insufficient to determine the role of this variant in disease. Therefore, it has been classified as a Variant of Uncertain Significance.

NM_000017.4(ACADS):c.244A>C (p.Met82Leu)

Gene: ACADS (acyl-CoA dehydrogenase short chain; plus strand). Cytogenetic location: 12q24.31.
Variant type: single nucleotide variant.
Coding change: c.244A>C on transcript NM_000017.4 (MANE Select); coding-DNA position 244, A replaced by C.
Protein change: p.Met82Leu; replaces methionine 82 with leucine.
Molecular consequence: missense variant.
Genome position (GRCh38, 1-based): chr12:120,737,019, A>C. VCF-style: chr12-120737019-A-C. GRCh37 (hg19) VCF-style: chr12-121174822-A-C.
Other names: c.244A>C, p.Met82Leu (NM_001302554.2); short protein forms M82L.
Identifiers: ClinVar variation 2157588 (VCV002157588.4), dbSNP rs746708682, ClinGen allele CA6830802.
Genomic context (GRCh38, chr12:120,737,019, plus strand): 5'-TGGCGTGCCGTCCTTCCCTGTGCCCAGGTGAAGAAGATGGGCGGGCTTGGGCTTCTGGCC[A>C]TGGACGTGCCCGAGGAGCTTGGCGGTGCTGGCCTCGATTACCTGGCCTACGCCATCGCCA-3'
Protein context (NP_000008.1, residues 72-92): KKMGGLGLLA[Met82Leu]DVPEELGGAG